The following is an entry in ClinVar:

NM_001042424.3(NSD2):c.2222A>T (p.Glu741Val)

Gene: NSD2 (nuclear receptor binding SET domain protein 2; plus strand). Cytogenetic location: 4p16.3.
Variant type: single nucleotide variant.
Coding change: c.2222A>T on transcript NM_001042424.3 (MANE Select); coding-DNA position 2222, A replaced by T.
Protein change: p.Glu741Val; replaces glutamic acid 741 with valine.
Molecular consequence: missense variant. On other transcripts: intron variant (1).
Genome position (GRCh38, 1-based): chr4:1,953,408, A>T. VCF-style: chr4-1953408-A-T. GRCh37 (hg19) VCF-style: chr4-1955135-A-T.
Other names: c.2222A>T, p.Glu741Val (NM_001440892.1, NM_001440894.1, NM_001440895.1 and 3 more transcripts); c.2321A>T, p.Glu774Val (NM_001440893.1); c.2015A>T, p.Glu672Val (NM_001440897.1, NM_001440898.1); c.1253A>T, p.Glu418Val (NM_001440899.1, NM_001440900.1); c.2137+1177A>T (NM_001440896.1); short protein forms E418V, E672V, E741V, E774V.
Identifiers: ClinVar variation 4891145 (VCV004891145.1).

ClinVar aggregate classification (germline): Uncertain significance (1 of 4 stars; one submission).

gnomAD v4.1: 2 of 1,614,216 alleles (0.00012%); highest among the groups gnomAD compares: Admixed American, 0.0033%; no homozygotes.

Submission:

Greenwood Genetic Center Diagnostic Laboratories, Greenwood Genetic Center
Classification: Uncertain significance. Last evaluated: 2026-04-01. Review status: criteria provided, single submitter. Criteria: ACMG Guidelines, 2015. Collection method: clinical testing. Allele origin: germline.
Comment: PP2, PP3